The following is an entry in ClinVar:

ClinVar aggregate classification (germline): Pathogenic (1 of 4 stars; one submission).

Conditions:
Immunodeficiency-centromeric instability-facial anomalies syndrome 2 (ICF2). Identifiers: Orphanet 2268, MedGen C3279748, MONDO:0013553, OMIM 614069.

gnomAD v4.1: 1 of 1,613,906 alleles (0.000062%); highest among the groups gnomAD compares: Non-Finnish European, 0.000085%; no homozygotes.

Submission:

Labcorp Genetics (formerly Invitae), Labcorp
Classification: Pathogenic for Immunodeficiency-centromeric instability-facial anomalies syndrome 2. Last evaluated: 2025-11-23. Review status: criteria provided, single submitter. Criteria: Invitae Variant Classification Sherloc (09022015). Collection method: clinical testing. Allele origin: germline.
Comment: This sequence change creates a premature translational stop signal (p.Cys383*) in the ZBTB24 gene. It is expected to result in an absent or disrupted protein product. Loss-of-function variants in ZBTB24 are known to be pathogenic (PMID: 21596365). This variant is not present in population databases (gnomAD no frequency). This variant has not been reported in the literature in individuals affected with ZBTB24-related conditions. For these reasons, this variant has been classified as Pathogenic.

Literature cited by the submitters: PubMed 21596365.

NM_014797.3(ZBTB24):c.1149C>A (p.Cys383Ter)

Gene: ZBTB24 (zinc finger and BTB domain containing 24; minus strand). Cytogenetic location: 6q21.
Variant type: single nucleotide variant.
Coding change: c.1149C>A on transcript NM_014797.3 (MANE Select); coding-DNA position 1149, C replaced by A.
Protein change: p.Cys383Ter; replaces cysteine 383 with a stop codon.
Molecular consequence: nonsense.
Genome position (GRCh38, 1-based): chr6:109,476,230, G>T on the plus strand (C>A on the coding strand, the complement: ZBTB24 is on the minus strand). VCF-style: chr6-109476230-G-T. GRCh37 (hg19) VCF-style: chr6-109797433-G-T.
Other names: short protein forms C383*.
Identifiers: ClinVar variation 4808675 (VCV004808675.1).